The following is an entry in ClinVar:

NM_001162501.2(TNRC6B):c.2142del (p.Asp715fs)

Gene: TNRC6B (trinucleotide repeat containing adaptor 6B; plus strand). Cytogenetic location: 22q13.1.
Variant type: Deletion.
Coding change: c.2142del on transcript NM_001162501.2 (MANE Select); coding-DNA position 2142, one base deleted (T; older notation c.2142delT).
Protein change: p.Asp715fs; shifts the reading frame from aspartic acid 715.
Molecular consequence: frameshift variant. On other transcripts: intron variant (1).
Genome position (GRCh38, 1-based): chr22:40,266,372, T deleted. VCF-style (leftmost placement, unchanged base first): chr22-40266371-CT-C. GRCh37 (hg19) VCF-style: chr22-40662375-CT-C.
Other names: c.2142del, p.Asp715fs (NM_015088.3); c.566-3750del (NM_001024843.2); short protein forms D715fs.
Identifiers: ClinVar variation 4531851 (VCV004531851.1).

ClinVar aggregate classification (germline): Pathogenic (1 of 4 stars; one submission).

Conditions:
Global developmental delay with speech and behavioral abnormalities. Identifiers: MedGen C5543226, MONDO:0030995, OMIM 619243.

Submission:

Victorian Clinical Genetics Services, Murdoch Childrens Research Institute
Classification: Pathogenic for Global developmental delay with speech and behavioral abnormalities. Last evaluated: 2025-05-27. Review status: criteria provided, single submitter. Criteria: ACMG Guidelines, 2015. Collection method: clinical testing. Allele origin: germline. Affected: yes.
Comment: This variant is classified as Pathogenic. Evidence in support of pathogenic classification: Variant is predicted to cause nonsense-mediated decay (NMD) and loss of protein (premature termination codon is located at least 54 nucleotides upstream of the final exon-exon junction); Variant is absent from gnomAD (v2, v3 and v4); Other NMD-predicted variants comparable to the one identified in this case have very strong previous evidence for pathogenicity (DECIPHER, PMID: 32152250); Additional information: This variant is heterozygous; This gene is associated with autosomal dominant disease; This variant has no previous evidence of pathogenicity; No published segregation evidence has been identified for this variant; No published functional evidence has been identified for this variant; Loss of function is a known mechanism of disease in this gene and is associated with global developmental delay with speech and behavioural abnormalities (MIM#619243) ; Variants in this gene are known to have variable expressivity. Some parents of affected individuals with TNRC6B variants were reported to be mildly affected (PMID: 32152250).

Literature cited by the submitters: PubMed 32152250.